The following is an entry in ClinVar:

NM_002801.4(PSMB10):c.660T>C (p.Thr220=)

Gene: PSMB10 (proteasome 20S subunit beta 10; minus strand). Cytogenetic location: 16q22.1.
Variant type: single nucleotide variant.
Coding change: c.660T>C on transcript NM_002801.4 (MANE Select); coding-DNA position 660, T replaced by C.
Protein change: p.Thr220=; no amino-acid change (threonine 220 retained).
Molecular consequence: synonymous variant.
Genome position (GRCh38, 1-based): chr16:67,934,847, A>G on the plus strand (T>C on the coding strand, the complement: PSMB10 is on the minus strand). VCF-style: chr16-67934847-A-G. GRCh37 (hg19) VCF-style: chr16-67968750-A-G.
Identifiers: ClinVar variation 2646645 (VCV002646645.24), dbSNP rs925737121, ClinGen allele CA283153854.

ClinVar aggregate classification (germline): Likely benign (1 of 4 stars; one submission).

gnomAD v4.1: 4 of 1,613,876 alleles (0.00025%); highest among the groups gnomAD compares: Non-Finnish European, 0.00034%; no homozygotes.

Submission:

CeGaT Center for Human Genetics Tuebingen
Classification: Likely benign. Last evaluated: 2022-09-01. Review status: criteria provided, single submitter. Criteria: CeGaT Center For Human Genetics Tuebingen Variant Classification Criteria Version 2. Collection method: clinical testing. Allele origin: germline. Affected: yes. Observed: 1 variant allele.
Comment: PSMB10: BP4, BP7